The following is an entry in ClinVar:

ClinVar aggregate classification (germline): Uncertain significance. Review status: criteria provided, multiple submitters, no conflicts (2 of 4 stars). 2 submissions from 2 submitters: Uncertain significance (2). Last evaluated 2023-04-30.

Conditions:
Melnick-Fraser syndrome (BOR). Also called: Branchio-oto-renal syndrome; Branchiootorenal syndrome; Branchiootorenal Syndrome (BORS). Identifiers: Orphanet 107, MedGen C0265234, MONDO:0007029.

Submissions (2):

Labcorp Genetics (formerly Invitae), Labcorp
Classification: Uncertain significance for Melnick-Fraser syndrome. Last evaluated: 2023-04-30. Review status: criteria provided, single submitter. Criteria: Invitae Variant Classification Sherloc (09022015). Collection method: clinical testing. Allele origin: germline.
Comment: This sequence change replaces threonine, which is neutral and polar, with serine, which is neutral and polar, at codon 271 of the EYA1 protein (p.Thr271Ser). This variant is not present in population databases (gnomAD no frequency). This variant has not been reported in the literature in individuals affected with EYA1-related conditions. Advanced modeling of protein sequence and biophysical properties (such as structural, functional, and spatial information, amino acid conservation, physicochemical variation, residue mobility, and thermodynamic stability) performed at Invitae indicates that this missense variant is not expected to disrupt EYA1 protein function. In summary, the available evidence is currently insufficient to determine the role of this variant in disease. Therefore, it has been classified as a Variant of Uncertain Significance.

GeneDx
Classification: Uncertain significance. Last evaluated: 2023-04-03. Review status: criteria provided, single submitter. Criteria: GeneDx Variant Classification Process June 2021. Collection method: clinical testing. Allele origin: germline. Affected: yes.
Comment: Not observed at significant frequency in large population cohorts (gnomAD); In silico analysis supports that this missense variant does not alter protein structure/function; Has not been previously published as pathogenic or benign to our knowledge

NM_000503.6(EYA1):c.811A>T (p.Thr271Ser)

Gene: EYA1 (EYA transcriptional coactivator and phosphatase 1; minus strand). Cytogenetic location: 8q13.3.
Variant type: single nucleotide variant.
Coding change: c.811A>T on transcript NM_000503.6 (MANE Select); coding-DNA position 811, A replaced by T.
Protein change: p.Thr271Ser; replaces threonine 271 with serine.
Molecular consequence: missense variant.
Genome position (GRCh38, 1-based): chr8:71,299,062, T>A on the plus strand (A>T on the coding strand, the complement: EYA1 is on the minus strand). VCF-style: chr8-71299062-T-A. GRCh37 (hg19) VCF-style: chr8-72211297-T-A.
Other names: c.793A>T, p.Thr265Ser (NM_001288574.2); c.445A>T, p.Thr149Ser (NM_001288575.2); c.898A>T, p.Thr300Ser (NM_001370333.1); c.811A>T, p.Thr271Ser (NM_001370334.1, NM_001370335.1, NM_172058.4); c.880A>T, p.Thr294Ser (NM_001370336.1); c.712A>T, p.Thr238Ser (NM_001411797.1, NM_172060.4); c.883A>T, p.Thr295Ser (NM_172059.5); short protein forms T149S, T238S, T265S, T271S, T294S, T295S, T300S.
Identifiers: ClinVar variation 2663744 (VCV002663744.4), dbSNP rs2536797939, ClinGen allele CA371467100.